The following is an entry in ClinVar:

NM_001378454.1(ALMS1):c.2009C>G (p.Ser670Ter)

Gene: ALMS1 (ALMS1 centrosome and basal body associated protein; plus strand). Cytogenetic location: 2p13.1.
Variant type: single nucleotide variant.
Coding change: c.2009C>G on transcript NM_001378454.1 (MANE Select); coding-DNA position 2009, C replaced by G.
Protein change: p.Ser670Ter; replaces serine 670 with a stop codon.
Molecular consequence: nonsense.
Genome position (GRCh38, 1-based): chr2:73,448,536, C>G. VCF-style: chr2-73448536-C-G. GRCh37 (hg19) VCF-style: chr2-73675663-C-G.
Other names: c.2012C>G, p.Ser671Ter (NM_015120.4); short protein forms S670*, S671*.
Identifiers: ClinVar variation 4815774 (VCV004815774.1).
Genomic context (GRCh38, chr2:73,448,536, plus strand): 5'-CTGCTCCTGGCCCAGTGGAGCAGAAGACGGGAATACCTACAGTATCCTCTACATCCCACT[C>G]ACATGTAGAGGACCTCCTCTTTTTCTATCGACAGACCTTGCCAGATGGTCATCTAACTGA-3'

ClinVar aggregate classification (germline): Likely pathogenic (1 of 4 stars; one submission).

Conditions:
Alstrom syndrome (ALMS). Identifiers: Orphanet 64, MedGen C0268425, MONDO:0008763, OMIM 203800.

gnomAD v4.1: 5 of 1,613,914 alleles (0.00031%); highest among the groups gnomAD compares: Non-Finnish European, 0.00034%; no homozygotes.

Submission:

Natera, Inc.
Classification: Likely pathogenic for Alstrom syndrome. Last evaluated: 2025-08-05. Review status: criteria provided, single submitter. Criteria: Natera Variant Classification Schema (03/2026). Collection method: clinical testing. Allele origin: germline.
Comment: The c.2012C>G variant in ALMS1 is a nonsense variant predicted to introduce a stop codon at amino acid 671. This variant is expected to result in nonsense mediated decay, truncation, or a dysfunctional protein product. This variant is rare in the general population with a frequency below the threshold expected for the associated phenotype(s). Given the available evidence, this variant is classified as Likely Pathogenic.